The following is an entry in ClinVar:

ClinVar aggregate classification (germline): Benign/Likely benign. Review status: criteria provided, multiple submitters, no conflicts (2 of 4 stars). 3 submissions from 3 submitters: Benign (2); Likely benign (1). Last evaluated 2023-04-01.

Allele frequency attached by ClinVar (database versions not stated): 1000 Genomes Project 0.00359; 1000 Genomes Project 30x 0.00359; TOPMed 0.00453; gnomAD 0.00508 and 0.00527; ExAC 0.00572; ESP Exome Variant Server 0.00584.

Submissions (3):

CeGaT Center for Human Genetics Tuebingen
Classification: Likely benign. Last evaluated: 2023-04-01. Review status: criteria provided, single submitter. Criteria: CeGaT Center For Human Genetics Tuebingen Variant Classification Criteria Version 2. Collection method: clinical testing. Allele origin: germline. Affected: yes. Observed: 2 variant alleles.
Comment: NMUR1: BP4, BS2

Labcorp Genetics (formerly Invitae), Labcorp
Classification: Benign. Last evaluated: 2018-06-23. Review status: criteria provided, single submitter. Criteria: Invitae Variant Classification Sherloc (09022015). Collection method: clinical testing. Allele origin: germline.

Breakthrough Genomics
Classification: Benign. Review status: criteria provided, single submitter. Criteria: ACMG Guidelines, 2015. Collection method: not provided. Allele origin: germline. Inheritance: Unknown mechanism. Affected: yes.

NM_006056.5(NMUR1):c.775C>T (p.Arg259Trp)

Gene: NMUR1 (neuromedin U receptor 1; minus strand). Cytogenetic location: 2q37.1.
Variant type: single nucleotide variant.
Coding change: c.775C>T on transcript NM_006056.5 (MANE Select); coding-DNA position 775, C replaced by T.
Protein change: p.Arg259Trp; replaces arginine 259 with tryptophan.
Molecular consequence: missense variant.
Genome position (GRCh38, 1-based): chr2:231,528,246, G>A on the plus strand (C>T on the coding strand, the complement: NMUR1 is on the minus strand). VCF-style: chr2-231528246-G-A. GRCh37 (hg19) VCF-style: chr2-232392957-G-A.
Other names: short protein forms R259W.
Identifiers: ClinVar variation 775190 (VCV000775190.28), dbSNP rs150482580, ClinGen allele CA2162266.
Genomic context (GRCh38, chr2:231,528,246, plus strand): 5'-ACCTGGCTGCTGCAGAGCCCCTGCCCTTGGCCTCCTGCATGAGCAGCAGCCTCTCCCGCC[G>A]CAGTCGCAGCCCAATGAGCAGGTAGAGCACGCTCATGATGGCCATGGGCAGGCAGAAGAA-3'
Protein context (NP_006047.3, residues 249-269): VLYLLIGLRL[Arg259Trp]RERLLLMQEA